The following is an entry in ClinVar:

NM_053025.4(MYLK):c.3172A>T (p.Asn1058Tyr)

Gene: MYLK (myosin light chain kinase; minus strand). Cytogenetic location: 3q21.1.
Variant type: single nucleotide variant.
Coding change: c.3172A>T on transcript NM_053025.4 (MANE Select); coding-DNA position 3172, A replaced by T.
Protein change: p.Asn1058Tyr; replaces asparagine 1058 with tyrosine.
Molecular consequence: missense variant.
Genome position (GRCh38, 1-based): chr3:123,700,296, T>A on the plus strand (A>T on the coding strand, the complement: MYLK is on the minus strand). VCF-style: chr3-123700296-T-A. GRCh37 (hg19) VCF-style: chr3-123419143-T-A.
Other names: c.2644A>T, p.Asn882Tyr (NM_001321309.2); c.2965A>T, p.Asn989Tyr (NM_053026.4, NM_053028.4); c.3172A>T, p.Asn1058Tyr (NM_053027.4); short protein forms N1058Y, N882Y, N989Y.
Identifiers: ClinVar variation 655906 (VCV000655906.15), dbSNP rs748997552, ClinGen allele CA069417.

ClinVar aggregate classification (germline): Uncertain significance. Review status: criteria provided, multiple submitters, no conflicts (2 of 4 stars). 5 submissions from 5 submitters: Uncertain significance (5). Last evaluated 2024-12-12.

Conditions:
Aortic aneurysm, familial thoracic 7 (AAT7). Also called: AORTIC DISSECTION, FAMILIAL, WITH OR WITHOUT AORTIC ANEURYSM. Identifiers: MedGen C3151077, MONDO:0013418, OMIM 613780.
Megacystis-microcolon-intestinal hypoperistalsis syndrome 1. Identifiers: MedGen C5542316, MONDO:0100354, OMIM 249210.
Familial thoracic aortic aneurysm and aortic dissection (TAAD). Also called: Thoracic aortic aneurysms and dissections. Identifiers: Orphanet 91387, MedGen C4707243, MONDO:0019625.

Allele frequency attached by ClinVar (database versions not stated): TOPMed below 0.00001; gnomAD 0.00001; ExAC 0.00002; gnomAD exomes 0.00001.
gnomAD v4.1: 20 of 1,613,962 alleles (0.0012%); highest among the groups gnomAD compares: Non-Finnish European, 0.0016%; no homozygotes.

Submissions (5):

Labcorp Genetics (formerly Invitae), Labcorp
Classification: Uncertain significance for Aortic aneurysm, familial thoracic 7. Last evaluated: 2024-12-12. Review status: criteria provided, single submitter. Criteria: Invitae Variant Classification Sherloc (09022015). Collection method: clinical testing. Allele origin: germline.
Comment: This sequence change replaces asparagine, which is neutral and polar, with tyrosine, which is neutral and polar, at codon 1058 of the MYLK protein (p.Asn1058Tyr). This variant is present in population databases (rs748997552, gnomAD 0.003%). This variant has not been reported in the literature in individuals affected with MYLK-related conditions. ClinVar contains an entry for this variant (Variation ID: 655906). Invitae Evidence Modeling of protein sequence and biophysical properties (such as structural, functional, and spatial information, amino acid conservation, physicochemical variation, residue mobility, and thermodynamic stability) indicates that this missense variant is not expected to disrupt MYLK protein function with a negative predictive value of 80%. In summary, the available evidence is currently insufficient to determine the role of this variant in disease. Therefore, it has been classified as a Variant of Uncertain Significance.

GeneDx
Classification: Uncertain significance. Last evaluated: 2023-09-20. Review status: criteria provided, single submitter. Criteria: GeneDx Variant Classification Process June 2021. Collection method: clinical testing. Allele origin: germline. Affected: yes.
Comment: Has not been previously published as pathogenic or benign to our knowledge; Not observed at significant frequency in large population cohorts (gnomAD); In silico analysis supports that this missense variant does not alter protein structure/function

CHEO Genetics Diagnostic Laboratory, Children's Hospital of Eastern Ontario
Classification: Uncertain significance for Familial thoracic aortic aneurysm and aortic dissection. Last evaluated: 2023-01-25. Review status: criteria provided, single submitter. Criteria: ACMG Guidelines, 2015. Collection method: clinical testing. Allele origin: germline.

Ambry Genetics
Classification: Uncertain significance for Familial thoracic aortic aneurysm and aortic dissection. Last evaluated: 2022-04-19. Review status: criteria provided, single submitter. Criteria: Ambry Variant Classification Scheme 2023. Collection method: clinical testing. Allele origin: germline.
Comment: The p.N1058Y variant (also known as c.3172A>T), located in coding exon 15 of the MYLK gene, results from an A to T substitution at nucleotide position 3172. The asparagine at codon 1058 is replaced by tyrosine, an amino acid with dissimilar properties. This amino acid position is conserved. In addition, this alteration is predicted to be tolerated by in silico analysis. Since supporting evidence is limited at this time, the clinical significance of this alteration remains unclear.

Fulgent Genetics
Classification: Uncertain significance for Megacystis-microcolon-intestinal hypoperistalsis syndrome 1; Aortic aneurysm, familial thoracic 7. Last evaluated: 2021-10-26. Review status: criteria provided, single submitter. Criteria: ACMG Guidelines, 2015. Collection method: clinical testing. Allele origin: unknown.